The following is an entry in ClinVar:

ClinVar aggregate classification (germline): Uncertain significance (1 of 4 stars; one submission).

Conditions:
Charcot-Marie-Tooth disease axonal type 2C (HMSN2C). Also called: Charcot-Marie-Tooth Disease Type 2, TRPV4-Related (CMT2C); CHARCOT-MARIE-TOOTH DISEASE, AXONAL, AUTOSOMAL DOMINANT, TYPE 2C; Charcot-Marie-Tooth Neuropathy Type 2C. Identifiers: Orphanet 99937, MedGen C1853710, MONDO:0011633, OMIM 606071.

Submission:

Labcorp Genetics (formerly Invitae), Labcorp
Classification: Uncertain significance for Charcot-Marie-Tooth disease axonal type 2C. Last evaluated: 2018-06-06. Review status: criteria provided, single submitter. Criteria: Invitae Variant Classification Sherloc (09022015). Collection method: clinical testing. Allele origin: germline.
Comment: In summary, the available evidence is currently insufficient to determine the role of this variant in disease. Therefore, it has been classified as a Variant of Uncertain Significance. This variant is not present in population databases (ExAC no frequency). This variant has not been reported in the literature in individuals with TRPV4-related disease. Algorithms developed to predict the effect of missense changes on protein structure and function are either unavailable or do not agree on the potential impact of this missense change (SIFT: "Deleterious"; PolyPhen-2: "Probably Damaging"; Align-GVGD: "Class C15"). This sequence change replaces serine with arginine at codon 729 of the TRPV4 protein (p.Ser729Arg). The serine residue is highly conserved and there is a moderate physicochemical difference between serine and arginine.

NM_021625.5(TRPV4):c.2187C>A (p.Ser729Arg)

Gene: TRPV4 (transient receptor potential cation channel subfamily V member 4; minus strand). Cytogenetic location: 12q24.11.
Variant type: single nucleotide variant.
Coding change: c.2187C>A on transcript NM_021625.5 (MANE Select); coding-DNA position 2187, C replaced by A.
Protein change: p.Ser729Arg; replaces serine 729 with arginine.
Molecular consequence: missense variant.
Genome position (GRCh38, 1-based): chr12:109,788,421, G>T on the plus strand (C>A on the coding strand, the complement: TRPV4 is on the minus strand). VCF-style: chr12-109788421-G-T. GRCh37 (hg19) VCF-style: chr12-110226226-G-T.
Other names: c.2046C>A, p.Ser682Arg (NM_001177428.2); c.2085C>A, p.Ser695Arg (NM_001177431.2); c.1866C>A, p.Ser622Arg (NM_001177433.2); c.2007C>A, p.Ser669Arg (NM_147204.3); short protein forms S622R, S682R, S729R, S669R, S695R.
Identifiers: ClinVar variation 1041442 (VCV001041442.8), dbSNP rs1889832143, ClinGen allele CA386649875.